The following is an entry in ClinVar:

NM_001903.5(CTNNA1):c.1112T>C (p.Met371Thr)

Gene: CTNNA1 (catenin alpha 1; plus strand). Cytogenetic location: 5q31.2.
Variant type: single nucleotide variant.
Coding change: c.1112T>C on transcript NM_001903.5 (MANE Select); coding-DNA position 1112, T replaced by C.
Protein change: p.Met371Thr; replaces methionine 371 with threonine.
Molecular consequence: missense variant. On other transcripts: initiator codon variant (21), 5 prime UTR variant (5), intron variant (2).
Genome position (GRCh38, 1-based): chr5:138,886,261, T>C. VCF-style: chr5-138886261-T-C. GRCh37 (hg19) VCF-style: chr5-138221950-T-C.
Other names: c.1112T>C, p.Met371Thr (NM_001290307.3, NM_001323982.2, NM_001323983.1 and 3 more transcripts); c.803T>C, p.Met268Thr (NM_001290309.3); c.743T>C, p.Met248Thr (NM_001290310.3); c.2T>C, p.Met1Thr (NM_001290312.1, NM_001323987.1, NM_001323988.1 and 18 more transcripts); c.-396T>C (NM_001324006.1, NM_001324007.1, NM_001324008.1 and 1 more transcripts); c.-271T>C (NM_001324013.1); c.-58+10664T>C (NM_001324012.1); c.-61+10664T>C (NM_001324010.1); short protein forms M248T, M268T, M1T, M371T.
Identifiers: ClinVar variation 1463103 (VCV001463103.11), dbSNP rs2150024276, ClinGen allele CA361132579.

ClinVar aggregate classification (germline): Uncertain significance. Review status: criteria provided, multiple submitters, no conflicts (2 of 4 stars). 2 submissions from 2 submitters: Uncertain significance (2). Last evaluated 2024-07-15.

Conditions:
Hereditary cancer-predisposing syndrome. Also called: Tumor predisposition; Hereditary neoplastic syndrome; Hereditary Cancer Syndrome; Neoplastic Syndromes, Hereditary. Identifiers: Orphanet 140162, MedGen C0027672, MeSH D009386, MONDO:0015356.

Submissions (2):

Labcorp Genetics (formerly Invitae), Labcorp
Classification: Uncertain significance. Last evaluated: 2024-07-15. Review status: criteria provided, single submitter. Criteria: Invitae Variant Classification Sherloc (09022015). Collection method: clinical testing. Allele origin: germline.
Comment: This sequence change replaces methionine, which is neutral and non-polar, with threonine, which is neutral and polar, at codon 371 of the CTNNA1 protein (p.Met371Thr). This variant is not present in population databases (gnomAD no frequency). This variant has not been reported in the literature in individuals affected with CTNNA1-related conditions. ClinVar contains an entry for this variant (Variation ID: 1463103). Advanced modeling of protein sequence and biophysical properties (such as structural, functional, and spatial information, amino acid conservation, physicochemical variation, residue mobility, and thermodynamic stability) performed at Invitae indicates that this missense variant is expected to disrupt CTNNA1 protein function with a positive predictive value of 80%. In summary, the available evidence is currently insufficient to determine the role of this variant in disease. Therefore, it has been classified as a Variant of Uncertain Significance.

Ambry Genetics
Classification: Uncertain significance for Hereditary cancer-predisposing syndrome. Last evaluated: 2020-09-11. Review status: criteria provided, single submitter. Criteria: Ambry Variant Classification Scheme 2023. Collection method: clinical testing. Allele origin: germline.
Comment: The p.M371T variant (also known as c.1112T>C), located in coding exon 7 of the CTNNA1 gene, results from a T to C substitution at nucleotide position 1112. The methionine at codon 371 is replaced by threonine, an amino acid with similar properties. This amino acid position is highly conserved in available vertebrate species. In addition, this alteration is predicted to be deleterious by in silico analysis. Since supporting evidence is limited at this time, the clinical significance of this alteration remains unclear.